The following is an entry in ClinVar:

NM_001273.5(CHD4):c.5273A>G (p.Tyr1758Cys)

Genes: CHD4 (chromodomain helicase DNA binding protein 4; minus strand), CHD4-AS1 (CHD4 antisense RNA 1; plus strand). Cytogenetic location: 12p13.31.
Variant type: single nucleotide variant.
Coding change: c.5273A>G on transcript NM_001273.5 (MANE Select); coding-DNA position 5273, A replaced by G.
Protein change: p.Tyr1758Cys; replaces tyrosine 1758 with cysteine.
Molecular consequence: missense variant.
Genome position (GRCh38, 1-based): chr12:6,577,873, T>C on the plus strand (A>G on the coding strand, the complement: CHD4 is on the minus strand). VCF-style: chr12-6577873-T-C. GRCh37 (hg19) VCF-style: chr12-6687039-T-C.
Other names: c.5252A>G, p.Tyr1751Cys (NM_001297553.2); c.5240A>G, p.Tyr1747Cys (NM_001363606.2); short protein forms Y1747C, Y1751C, Y1758C.
Identifiers: ClinVar variation 982182 (VCV000982182.3), dbSNP rs777021265, ClinGen allele CA6411260.

ClinVar aggregate classification (germline): Conflicting classifications of pathogenicity. Review status: no assertion criteria provided (0 of 4 stars). 2 submissions from 2 submitters: Likely pathogenic (1); Uncertain significance (1). Last evaluated 2023-12-05.

Conditions:
CHD4-related disorder. Also called: CHD4-related condition.
Moyamoya angiopathy with developmental delay.

Allele frequency attached by ClinVar (database versions not stated): ExAC 0.00002; TOPMed 0.00002; gnomAD 0.00004 and 0.00003; gnomAD exomes 0.00001 and 0.00002.

Submissions (2):

PreventionGenetics, part of Exact Sciences
Classification: Uncertain significance for CHD4-related condition. Last evaluated: 2023-12-05. Review status: no assertion criteria provided. Collection method: clinical testing. Allele origin: germline.
Comment: The CHD4 c.5273A>G variant is predicted to result in the amino acid substitution p.Tyr1758Cys. This variant was reported in an individual with Moyamoya angiopathy, however segregation information was not provided (Pinard et al. 2020. PubMed ID: 31474762). This variant is reported in 0.012% of alleles in individuals of African descent in gnomAD. At this time, the clinical significance of this variant is uncertain due to the absence of conclusive functional and genetic evidence.

University of Washington Center for Mendelian Genomics, University of Washington
Classification: Likely pathogenic for Moyamoya angiopathy with developmental delay. Review status: no assertion criteria provided. Collection method: research. Allele origin: unknown. Affected: yes.

Literature cited by the submitters: PubMed 31474762 (cited by University of Washington Center for Mendelian Genomics, University of Washington).